The following is an entry in ClinVar:

ClinVar aggregate classification (germline): Uncertain significance (1 of 4 stars; one submission).

Conditions:
Inborn genetic diseases. Identifiers: MedGen C0950123, MeSH D030342.

Submission:

Ambry Genetics
Classification: Uncertain significance for Inborn genetic diseases. Last evaluated: 2021-10-31. Review status: criteria provided, single submitter. Criteria: Ambry Variant Classification Scheme 2023. Collection method: clinical testing. Allele origin: germline.
Comment: The p.I1014L variant (also known as c.3040A>C), located in coding exon 15 of the ATR gene, results from an A to C substitution at nucleotide position 3040. The isoleucine at codon 1014 is replaced by leucine, an amino acid with highly similar properties. This amino acid position is conserved. In addition, this alteration is predicted to be tolerated by in silico analysis. Since supporting evidence is limited at this time, the clinical significance of this alteration remains unclear.

NM_001184.4(ATR):c.3040A>C (p.Ile1014Leu)

Gene: ATR (ATR checkpoint kinase; minus strand). Cytogenetic location: 3q23.
Variant type: single nucleotide variant.
Coding change: c.3040A>C on transcript NM_001184.4 (MANE Select); coding-DNA position 3040, A replaced by C.
Protein change: p.Ile1014Leu; replaces isoleucine 1014 with leucine.
Molecular consequence: missense variant.
Genome position (GRCh38, 1-based): chr3:142,549,610, T>G on the plus strand (A>C on the coding strand, the complement: ATR is on the minus strand). VCF-style: chr3-142549610-T-G. GRCh37 (hg19) VCF-style: chr3-142268452-T-G.
Other names: c.2848A>C, p.Ile950Leu (NM_001354579.2); short protein forms I1014L, I950L.
Identifiers: ClinVar variation 1799158 (VCV001799158.2), dbSNP rs776867412, ClinGen allele CA354812477.
Genomic context (GRCh38, chr3:142,549,610, plus strand): 5'-TGAAGTTGTTTATTAAAATCTCTCTACGATTGACATTTAATTGTTTTCCTAAAGTTCGAA[T>G]GAGAGCAGAAGCTGCAGGGCTTGCTTTGGCAGCAAGATCAGGTAGTAGAACTTGTAATGT-3'
Protein context (NP_001175.2, residues 1004-1024): AKASPAASAL[Ile1014Leu]RTLGKQLNVN